The following is an entry in ClinVar:

NM_002821.5(PTK7):c.821A>G (p.His274Arg)

Gene: PTK7 (protein tyrosine kinase 7 (inactive); plus strand). Cytogenetic location: 6p21.1.
Variant type: single nucleotide variant.
Coding change: c.821A>G on transcript NM_002821.5 (MANE Select); coding-DNA position 821, A replaced by G.
Protein change: p.His274Arg; replaces histidine 274 with arginine.
Molecular consequence: missense variant. On other transcripts: non-coding transcript variant (2).
Genome position (GRCh38, 1-based): chr6:43,132,024, A>G. VCF-style: chr6-43132024-A-G. GRCh37 (hg19) VCF-style: chr6-43099762-A-G.
Other names: c.845A>G, p.His282Arg (NM_001270398.2); c.821A>G, p.His274Arg (NM_152880.4, NM_152881.4, NM_152882.4); short protein forms H274R, H282R.
Identifiers: ClinVar variation 4980761 (VCV004980761.1).
Genomic context (GRCh38, chr6:43,132,024, plus strand): 5'-CAGAACTAGGCCTATTGGCCACTTTCTCCAAATTGCACTCTCCCCTCTGCAGCCCCCCAC[A>G]CCTCCGCAGAGCCACAGTGTTTGCCAACGGGTCTCTGCTGCTGACCCAGGTCCGGCCACG-3'
Protein context (NP_002812.2, residues 264-284): TPITNRSRPP[His274Arg]LRRATVFANG

ClinVar aggregate classification (germline): Likely benign (1 of 4 stars; one submission).

Conditions:
PTK7-related disorder. Also called: PTK7-related condition.

gnomAD v4.1: 1,007 of 1,613,418 alleles (0.062%); highest among the groups gnomAD compares: South Asian, 0.58%; 9 homozygotes.

Submission:

PreventionGenetics, part of Exact Sciences
Classification: Likely benign for PTK7-related condition. Last evaluated: 2026-03-10. Review status: criteria provided, single submitter. Criteria: ACMG Guidelines, 2015. Collection method: clinical testing. Allele origin: germline.
Comment: This variant is classified as likely benign based on ACMG/AMP sequence variant interpretation guidelines (Richards et al. 2015 PMID: 25741868, with internal and published modifications).